The following is an entry in ClinVar:

ClinVar aggregate classification (germline): Uncertain significance. Review status: criteria provided, multiple submitters, no conflicts (2 of 4 stars). 3 submissions from 3 submitters: Uncertain significance (3). Last evaluated 2025-01-29.

Conditions:
Hereditary cancer-predisposing syndrome. Also called: Hereditary Cancer Syndrome; Hereditary neoplastic syndrome; Neoplastic Syndromes, Hereditary; Tumor predisposition. Identifiers: Orphanet 140162, MedGen C0027672, MeSH D009386, MONDO:0015356.
Ataxia-telangiectasia syndrome (AT). Also called: Ataxia-telangiectasia, complementation group E; LOUIS-BAR SYNDROME; Cerebello-oculocutaneous telangiectasia; Immunodeficiency with ataxia telangiectasia; Ataxia-telangiectasia, complementation group D; AT, COMPLEMENTATION GROUP C. Identifiers: Orphanet 100, MedGen C0004135, MONDO:0008840, OMIM 208900.

Submissions (3):

Labcorp Genetics (formerly Invitae), Labcorp
Classification: Uncertain significance for Ataxia-telangiectasia syndrome. Last evaluated: 2025-01-29. Review status: criteria provided, single submitter. Criteria: Invitae Variant Classification Sherloc (09022015). Collection method: clinical testing. Allele origin: germline.
Comment: This sequence change replaces histidine, which is basic and polar, with tyrosine, which is neutral and polar, at codon 1802 of the ATM protein (p.His1802Tyr). This variant is not present in population databases (gnomAD no frequency). This variant has not been reported in the literature in individuals affected with ATM-related conditions. ClinVar contains an entry for this variant (Variation ID: 922886). Invitae Evidence Modeling of protein sequence and biophysical properties (such as structural, functional, and spatial information, amino acid conservation, physicochemical variation, residue mobility, and thermodynamic stability) has been performed for this missense variant. However, the output from this modeling did not meet the statistical confidence thresholds required to predict the impact of this variant on ATM protein function. In summary, the available evidence is currently insufficient to determine the role of this variant in disease. Therefore, it has been classified as a Variant of Uncertain Significance.

Color Diagnostics, LLC DBA Color Health
Classification: Uncertain significance for Hereditary cancer-predisposing syndrome. Last evaluated: 2024-03-06. Review status: criteria provided, single submitter. Criteria: ACMG Guidelines, 2015. Collection method: clinical testing. Allele origin: germline.
Comment: This missense variant replaces histidine with tyrosine at codon 1802 of the ATM protein. Computational prediction tool is inconclusive regarding the impact of this variant on protein structure and function (internally defined REVEL score threshold 0.5 < inconclusive < 0.7, PMID: 27666373). Splice site prediction tools suggest that this variant may not impact RNA splicing. To our knowledge, functional studies have not been performed for this variant. This variant has not been reported in individuals affected with hereditary cancer in the literature. This variant has not been identified in the general population by the Genome Aggregation Database (gnomAD). The available evidence is insufficient to determine the role of this variant in disease conclusively. Therefore, this variant is classified as a Variant of Uncertain Significance.

Ambry Genetics
Classification: Uncertain significance for Hereditary cancer-predisposing syndrome. Last evaluated: 2020-07-27. Review status: criteria provided, single submitter. Criteria: Ambry Variant Classification Scheme 2023. Collection method: clinical testing. Allele origin: germline.
Comment: The p.H1802Y variant (also known as c.5404C>T), located in coding exon 35 of the ATM gene, results from a C to T substitution at nucleotide position 5404. The histidine at codon 1802 is replaced by tyrosine, an amino acid with similar properties. This amino acid position is highly conserved in available vertebrate species. In addition, this alteration is predicted to be deleterious by in silico analysis. Since supporting evidence is limited at this time, the clinical significance of this alteration remains unclear.

NM_000051.4(ATM):c.5404C>T (p.His1802Tyr)

Gene: ATM (ATM serine/threonine kinase; plus strand). Cytogenetic location: 11q22.3.
Variant type: single nucleotide variant.
Coding change: c.5404C>T on transcript NM_000051.4 (MANE Select); coding-DNA position 5404, C replaced by T.
Protein change: p.His1802Tyr; replaces histidine 1802 with tyrosine.
Molecular consequence: missense variant.
Genome position (GRCh38, 1-based): chr11:108,302,937, C>T. VCF-style: chr11-108302937-C-T. GRCh37 (hg19) VCF-style: chr11-108173664-C-T.
Other names: c.5404C>T, p.His1802Tyr (NM_001351834.2); short protein forms H1802Y.
Identifiers: ClinVar variation 922886 (VCV000922886.15), dbSNP rs2083502587, ClinGen allele CA382543764.